The following is an entry in ClinVar:

ClinVar aggregate classification (germline): Pathogenic/Likely pathogenic. Review status: criteria provided, multiple submitters, no conflicts (2 of 4 stars). 9 submissions from 9 submitters: Pathogenic (6); Likely pathogenic (3). Last evaluated 2026-08-31.

Conditions:
CEP290-related ciliopathy. Also called: CEP290 ciliopathy. Identifiers: MedGen CN305601, MONDO:0100451.
Meckel-Gruber syndrome. Also called: DYSENCEPHALIA SPLANCHNOCYSTICA; GRUBER SYNDROME; Dysencephalia splachnocystica. Identifiers: Orphanet 564, MedGen C0265215, MONDO:0018921.
Joubert syndrome. Also called: JOUBERT-BOLTSHAUSER SYNDROME; Familial aplasia of the vermis. Identifiers: Orphanet 475, MedGen C5979921, MONDO:0018772.
Nephronophthisis. Also called: Juvenile Nephronophthisis. Identifiers: Orphanet 655, MedGen C0687120, MONDO:0019005, HP:0000090.
Leber congenital amaurosis (LCA). Also called: Leber's amaurosis. Identifiers: Orphanet 65, MedGen C0339527, MeSH D057130, MONDO:0018998.
CEP290-related disorder. Also called: CEP290-related condition; CEP290-related disorders. Identifiers: MedGen CN239314.
Joubert syndrome 5 (JBTS5). Identifiers: Orphanet 2318, MedGen C1857780, MONDO:0012432, OMIM 610188.
Bardet-Biedl syndrome 14 (BBS14). Identifiers: Orphanet 110, MedGen C2673874, MONDO:0014442, OMIM 615991.
Leber congenital amaurosis 10 (LCA10). Identifiers: Orphanet 65, MedGen C1857821, MONDO:0012723, OMIM 611755.
Senior-Loken syndrome 6 (SLSN6). Identifiers: Orphanet 3156, MedGen C1857779, MONDO:0012433, OMIM 610189.
Meckel syndrome, type 4 (MKS4). Also called: MECKEL-GRUBER SYNDROME, TYPE 4. Identifiers: Orphanet 564, MedGen C1970161, MONDO:0012626, OMIM 611134.

Allele frequency attached by ClinVar (database versions not stated): 1000 Genomes Project 30x 0.00016; 1000 Genomes Project 0.00020.
gnomAD v4.1: 23 of 1,602,404 alleles (0.0014%); highest among the groups gnomAD compares: East Asian, 0.0023%; no homozygotes.

Submissions (9):

PreventionGenetics, part of Exact Sciences
Classification: Pathogenic for CEP290-related condition. Last evaluated: 2026-08-31. Review status: criteria provided, single submitter. Criteria: ACMG Guidelines, 2015. Collection method: clinical testing. Allele origin: germline.
Comment: The CEP290 c.5776C>T variant is predicted to result in premature protein termination (p.Arg1926*). This variant has been reported in individuals with CEP290-associated retinal disorders (Stone et al. 2007. PubMed ID: 17964524; Petzold et al. 2023. PubMed ID: 37230223; Coppieters et al. 2010. PubMed ID: 20690115). This variant is reported in 0.0059% of alleles in individuals of East Asian descent in gnomAD. Nonsense variants in CEP290 are expected to be pathogenic. This variant is interpreted as pathogenic.

Natera, Inc.
Classification: Pathogenic for Leber congenital amaurosis. Last evaluated: 2024-08-08. Review status: criteria provided, single submitter. Criteria: Natera Variant Classification Schema (03/2026). Collection method: clinical testing. Allele origin: germline.
Comment: The c.5776C>T variant in CEP290 is a nonsense variant predicted to introduce a stop codon at amino acid 1926. This variant is expected to result in nonsense mediated decay, truncation, or a dysfunctional protein product. This variant is rare in the general population with a frequency below the threshold expected for the associated phenotype(s). This variant has been observed in one or more individuals affected with the associated recessive disease, as either homozygous or compound heterozygous with a second variant (PMID: 19959640). Given the available evidence, this variant is classified as Pathogenic.

Myriad Genetics, Inc.
Classification: Pathogenic for CEP290-related ciliopathy. Last evaluated: 2024-05-15. Review status: criteria provided, single submitter. Criteria: Myriad Autosomal Dominant, Autosomal Recessive and X-Linked Classification Criteria (2023). Collection method: clinical testing. Allele origin: unknown.
Comment: NM_025114.3(CEP290):c.5776C>T(R1926*) is expected to be pathogenic in the context of CEP290-related disorders. This variant is predicted to lead to an abnormal or absent protein product due to the creation of a premature termination codon in CEP290, a gene where loss-of-function variants are known to be pathogenic. Please note: this variant was assessed in the context of healthy population screening.

Fulgent Genetics
Classification: Likely pathogenic for Joubert syndrome 5; Senior-Loken syndrome 6; Meckel syndrome, type 4; Leber congenital amaurosis 10; Bardet-Biedl syndrome 14. Last evaluated: 2024-04-17. Review status: criteria provided, single submitter. Criteria: ACMG Guidelines, 2015. Collection method: clinical testing. Allele origin: germline.

Baylor Genetics
Classification: Likely pathogenic for Bardet-Biedl syndrome 14. Last evaluated: 2024-02-23. Review status: criteria provided, single submitter. Criteria: ACMG Guidelines, 2015. Collection method: clinical testing. Allele origin: unknown.

Labcorp Genetics (formerly Invitae), Labcorp
Classification: Pathogenic for Joubert syndrome; Meckel-Gruber syndrome; Nephronophthisis. Last evaluated: 2023-12-13. Review status: criteria provided, single submitter. Criteria: Invitae Variant Classification Sherloc (09022015). Collection method: clinical testing. Allele origin: germline.
Comment: This sequence change creates a premature translational stop signal (p.Arg1926*) in the CEP290 gene. It is expected to result in an absent or disrupted protein product. Loss-of-function variants in CEP290 are known to be pathogenic (PMID: 16909394, 17345604, 20690115). This variant is present in population databases (rs561598805, gnomAD 0.006%). This premature translational stop signal has been observed in individual(s) with Leber congenital amaurosis (PMID: 17964524). ClinVar contains an entry for this variant (Variation ID: 635021). Algorithms developed to predict the effect of sequence changes on RNA splicing suggest that this variant may disrupt the consensus splice site. For these reasons, this variant has been classified as Pathogenic.

GeneDx
Classification: Pathogenic. Last evaluated: 2022-04-07. Review status: criteria provided, single submitter. Criteria: GeneDx Variant Classification Process June 2021. Collection method: clinical testing. Allele origin: germline. Affected: yes.
Comment: Observed in a patient with Leber congenital amaurosis in the published literature, but additional clinical information and zygosity information were not included (Stone et al., 2007); Nonsense variant predicted to result in protein truncation or nonsense mediated decay in a gene for which loss-of-function is a known mechanism of disease; Not observed at significant frequency in large population cohorts (gnomAD); This variant is associated with the following publications: (PMID: 25525159, 17964524)

Revvity Omics, Revvity
Classification: Pathogenic. Last evaluated: 2020-03-19. Review status: criteria provided, single submitter. Criteria: ACMG Guidelines, 2015. Collection method: clinical testing. Allele origin: germline.

Broad Center for Mendelian Genomics, Broad Institute of MIT and Harvard
Classification: Likely pathogenic for Joubert syndrome 5. Last evaluated: 2018-06-15. Review status: criteria provided, single submitter. Criteria: ACMG Guidelines, 2015. Collection method: research. Allele origin: germline. Inheritance: Autosomal recessive inheritance. Affected: yes.
Comment: This variant has been identified in the literature in one individual with Joubert syndrome (Stone E., PMID:17964524). This variant has been identified in <0.01% (1/16406) of East Asian chromosomes by the Genome Aggregation Database (gnomAD; dbSNP rs561598805). Although this variant has been seen in the general population, its frequency is low enough to be consistent with a recessive carrier frequency. Loss of function of the CEP290 gene is an established disease mechanism in autosomal recessive Joubert syndrome, and this is a loss of function variant. In summary, although additional studies are required to fully establish its pathogenicity, this variant is likely pathogenic.

Literature cited by the submitters: PubMed 19959640 (cited by Natera, Inc.); PubMed 16909394 (cited by Labcorp Genetics (formerly Invitae), Labcorp); PubMed 17345604 (cited by Labcorp Genetics (formerly Invitae), Labcorp); PubMed 20690115 (cited by Labcorp Genetics (formerly Invitae), Labcorp); PubMed 17964524 (cited by Labcorp Genetics (formerly Invitae), Labcorp).

NM_025114.4(CEP290):c.5776C>T (p.Arg1926Ter)

Gene: CEP290 (centrosomal protein 290; minus strand). Cytogenetic location: 12q21.32.
Variant type: single nucleotide variant.
Coding change: c.5776C>T on transcript NM_025114.4 (MANE Select); coding-DNA position 5776, C replaced by T.
Protein change: p.Arg1926Ter; replaces arginine 1926 with a stop codon.
Molecular consequence: nonsense.
Genome position (GRCh38, 1-based): chr12:88,071,860, G>A on the plus strand (C>T on the coding strand, the complement: CEP290 is on the minus strand). VCF-style: chr12-88071860-G-A. GRCh37 (hg19) VCF-style: chr12-88465637-G-A.
Other names: short protein forms R1926*.
Identifiers: ClinVar variation 635021 (VCV000635021.23), dbSNP rs561598805, ClinGen allele CA6711646.